The following is an entry in ClinVar:

ClinVar aggregate classification (germline): Uncertain significance (1 of 4 stars; one submission).

Conditions:
Immunodeficiency 84. Identifiers: Orphanet 697385, MedGen C5561940, MONDO:0030333, OMIM 619437.

Submission:

Laboratorio de Genetica e Diagnostico Molecular, Hospital Israelita Albert Einstein
Classification: Uncertain significance for Immunodeficiency 84. Last evaluated: 2022-03-11. Review status: criteria provided, single submitter. Criteria: ACMG Guidelines, 2015. Collection method: clinical testing. Allele origin: germline. Affected: yes. Observed: 1 variant allele.
Comment: ACMG classification criteria: PM2 moderated

NM_012481.5(IKZF3):c.470A>G (p.Gln157Arg)

Gene: IKZF3 (IKAROS family zinc finger 3; minus strand). Cytogenetic location: 17q12.
Variant type: single nucleotide variant.
Coding change: c.470A>G on transcript NM_012481.5 (MANE Select); coding-DNA position 470, A replaced by G.
Protein change: p.Gln157Arg; replaces glutamine 157 with arginine.
Molecular consequence: missense variant. On other transcripts: 5 prime UTR variant (1), intron variant (7).
Genome position (GRCh38, 1-based): chr17:39,791,538, T>C on the plus strand (A>G on the coding strand, the complement: IKZF3 is on the minus strand). VCF-style: chr17-39791538-T-C. GRCh37 (hg19) VCF-style: chr17-37947791-T-C.
Other names: c.368A>G, p.Gln123Arg (NM_001257408.2, NM_001257409.2); c.209A>G, p.Gln70Arg (NM_001257410.2); c.-398A>G (NM_001284514.2); c.470A>G, p.Gln157Arg (NM_183229.3, NM_183230.3, NM_183232.3); c.164-25045A>G (NM_001257413.2); c.164-13771A>G (NM_001257412.2); c.164-3164A>G (NM_001257411.2); c.424+1135A>G (NM_001257414.2, NM_183231.3, NM_183228.3); and 1 more; short protein forms Q123R, Q157R, Q70R.
Identifiers: ClinVar variation 2431586 (VCV002431586.1), dbSNP rs2544825860, ClinGen allele CA399285125.